The following is an entry in ClinVar:

ClinVar aggregate classification (germline): Uncertain significance (1 of 4 stars; one submission).

Submission:

Labcorp Genetics (formerly Invitae), Labcorp
Classification: Uncertain significance. Last evaluated: 2020-12-04. Review status: criteria provided, single submitter. Criteria: Invitae Variant Classification Sherloc (09022015). Collection method: clinical testing. Allele origin: germline.
Comment: In summary, the available evidence is currently insufficient to determine the role of this variant in disease. Therefore, it has been classified as a Variant of Uncertain Significance. Experimental studies and prediction algorithms are not available or were not evaluated, and the functional significance of this variant is currently unknown. This variant has not been reported in the literature in individuals with ZSWIM6-related conditions. The frequency data for this variant in the population databases is considered unreliable, as metrics indicate insufficient coverage at this position in the ExAC database. This variant, c.440_451del, results in the deletion of 4 amino acid(s) of the ZSWIM6 protein (p.Ala147_Gly150del), but otherwise preserves the integrity of the reading frame.

NM_020928.2(ZSWIM6):c.440_451del (p.Ala147_Gly150del)

Gene: ZSWIM6 (zinc finger SWIM-type containing 6; plus strand). Cytogenetic location: 5q12.1.
Variant type: Deletion.
Coding change: c.440_451del on transcript NM_020928.2 (MANE Select); coding-DNA positions 440 to 451, 12 bases deleted (CGGGCGGCGGCG).
Protein change: p.Ala147_Gly150del.
Molecular consequence: inframe deletion.
Genome position (GRCh38, 1-based): chr5:61,332,712-61,332,723, CGGGCGGCGGCG deleted; deleting any 12 consecutive bases within chr5:61,332,702-61,332,723 gives the same sequence; the c. name uses the placement nearest the transcript's 3' end. VCF-style (leftmost placement, unchanged base first): chr5-61332701-CGGCGGCGGCGCG-C. GRCh37 (hg19) VCF-style: chr5-60628528-CGGCGGCGGCGCG-C.
Identifiers: ClinVar variation 1904864 (VCV001904864.5), dbSNP rs1426242277, ClinGen allele CA560299875.
Genomic context (GRCh38, chr5:61,332,701, plus strand): 5'-GTACTCGTCCTTCAACACCGGCGGCGGCGCCGCGGGCGGCCCCGGCGACGACAGCGGTGG[CGGCGGCGGCGCG>C]GGCGGCGGCGGCGGCGGCGGCTCCTCGTCTTCCCCGGCCGCAACCTCGGCGGCCGCAACC-3'